The following is an entry in ClinVar:

NM_000518.5(HBB):c.127_129del (p.Phe43del)

Genes: HBB (hemoglobin subunit beta; minus strand), LOC106099062 (HBB recombination region; plus strand), LOC107133510 (origin of replication at HBB; plus strand). Cytogenetic location: 11p15.4.
Variant type: Deletion.
Coding change: c.127_129del on transcript NM_000518.5 (MANE Select); coding-DNA positions 127 to 129, 3 bases deleted (TTT; older notation c.127_129delTTT).
Protein change: p.Phe43del; deletes phenylalanine 43.
Molecular consequence: inframe deletion.
Genome position (GRCh38, 1-based): chr11:5,226,763-5,226,765, AAA deleted on the plus strand (TTT on the coding strand, the reverse complement: HBB is on the minus strand). VCF-style (leftmost placement, unchanged base first): chr11-5226762-CAAA-C. GRCh37 (hg19) VCF-style: chr11-5247992-CAAA-C.
Other names: Hb Bruxelles; short protein forms F43del.
Identifiers: ClinVar variation 15121 (VCV000015121.2), dbSNP rs41417446, ClinGen allele CA124770.

ClinVar aggregate classification (germline): Conflicting classifications of pathogenicity. Review status: criteria provided, conflicting classifications (1 of 4 stars). 4 submissions from 3 submitters: Likely pathogenic (1); Uncertain significance (1). 2 of the submissions do not count toward it. Last evaluated 2024-07-18.

Conditions:
Hemoglobinopathy. Also called: Hemoglobin disorder; Haemoglobinopathies. Identifiers: MedGen C0019045, MONDO:0044348.
Heinz body anemia. Also called: Heinz body hemolytic anemia. Identifiers: Orphanet 178330, MedGen C0700299, MONDO:0007705, OMIM 140700, HP:0005511.
beta Thalassemia (BTHAL). Also called: Cooley's anemia; Erythroblastic anemia; Mediterranean anemia. Identifiers: Orphanet 848, MedGen C0005283, MONDO:0019402. Disease mechanism: loss of function.

Submissions (4):

Natera, Inc.
Classification: Likely pathogenic for Beta thalassemia. Last evaluated: 2024-07-18. Review status: criteria provided, single submitter. Criteria: Natera Variant Classification Schema (03/2026). Collection method: clinical testing. Allele origin: germline.
Comment: The c.127_129del variant in HBB is an in-frame deletion predicted to remove phenylalanine at amino acid 43 while preserving the reading frame. This variant is rare in the general population with a frequency below the threshold expected for the associated phenotype(s). Functional studies show that this variant may disrupt protein function (PMID: 8824225, 2599881). This variant results in a change to the protein length while preserving reading frame, which may disrupt normal protein structure or function. A different variant at the same position has been determined to be Pathogenic or Likely Pathogenic. Given the available evidence, this variant is classified as Likely Pathogenic.

Quest Diagnostics Nichols Institute San Juan Capistrano
Classification: Uncertain significance. Last evaluated: 2021-02-11. Review status: criteria provided, single submitter. Criteria: Quest Diagnostics criteria. Collection method: clinical testing. Allele origin: unknown.

OMIM
Classification: Pathogenic for HEMOGLOBIN BRUXELLES. Last evaluated: 1989-01-01. Review status: no assertion criteria provided. Collection method: literature only. Allele origin: germline. Not counted in ClinVar's aggregate classification.

OMIM
Classification: Pathogenic for HEINZ BODY HEMOLYTIC ANEMIA. Last evaluated: 1989-01-01. Review status: no assertion criteria provided. Collection method: literature only. Allele origin: germline. Not counted in ClinVar's aggregate classification.

Literature cited by the submitters: PubMed 8824225 (cited by Natera, Inc. and Quest Diagnostics Nichols Institute San Juan Capistrano); PubMed 2599881 (cited by 3 submitters).